The following is an entry in ClinVar:

ClinVar aggregate classification (germline): Pathogenic (1 of 4 stars; one submission).

Conditions:
Rhabdoid tumor predisposition syndrome 2 (RTPS2). Identifiers: Orphanet 231108, Orphanet 69077, MedGen C2750074, MONDO:0013224, OMIM 613325.

Submission:

Labcorp Genetics (formerly Invitae), Labcorp
Classification: Pathogenic for Rhabdoid tumor predisposition syndrome 2. Last evaluated: 2019-05-10. Review status: criteria provided, single submitter. Criteria: Invitae Variant Classification Sherloc (09022015). Collection method: clinical testing. Allele origin: germline.
Comment: For these reasons, this variant has been classified as Pathogenic. Loss-of-function variants in SMARCA4 are known to be pathogenic (PMID: 24658001, 24658002). This variant has not been reported in the literature in individuals with SMARCA4-related conditions. This variant is not present in population databases (ExAC no frequency). This sequence change creates a premature translational stop signal (p.Gln1566*) in the SMARCA4 gene. It is expected to result in an absent or disrupted protein product.

Literature cited by the submitters: PubMed 24658001; PubMed 24658002.

NM_003072.5(SMARCA4):c.4600C>T (p.Gln1534Ter)

Gene: SMARCA4 (SWI/SNF related BAF chromatin remodeling complex subunit ATPase 4; plus strand). Cytogenetic location: 19p13.2.
Variant type: single nucleotide variant.
Coding change: c.4600C>T on transcript NM_003072.5 (MANE Select); coding-DNA position 4600, C replaced by T.
Protein change: p.Gln1534Ter; replaces glutamine 1534 with a stop codon.
Molecular consequence: nonsense. On other transcripts: non-coding transcript variant (1).
Genome position (GRCh38, 1-based): chr19:11,058,854, C>T. VCF-style: chr19-11058854-C-T. GRCh37 (hg19) VCF-style: chr19-11169530-C-T.
Other names: c.4600C>T, p.Gln1534Ter (NM_001128844.3); c.4510C>T, p.Gln1504Ter (NM_001128845.2); c.4507C>T, p.Gln1503Ter (NM_001128846.2); c.4501C>T, p.Gln1501Ter (NM_001128847.4, NM_001374457.1); c.4498C>T, p.Gln1500Ter (NM_001128848.2); c.4696C>T, p.Gln1566Ter (NM_001128849.3); short protein forms Q1566*, Q1503*, Q1504*, Q1534*, Q1500*, Q1501*.
Identifiers: ClinVar variation 939670 (VCV000939670.7), dbSNP rs2076695154, ClinGen allele CA404078990.
Genomic context (GRCh38, chr19:11,058,854, plus strand): 5'-ATTCGCAACCACAAGTACCGCAGCCTCAACGACCTAGAGAAGGACGTCATGCTCCTGTGC[C>T]AGAACGCACAGACCTTCAACCTGGAGGGCTCCCTGGTGAGGGCACCGCTGGGGGTTGGGG-3'